The following is an entry in ClinVar:

NM_181776.3(SLC36A2):c.1401C>G (p.Leu467=)

Gene: SLC36A2 (solute carrier family 36 member 2; minus strand). Cytogenetic location: 5q33.1.
Variant type: single nucleotide variant.
Coding change: c.1401C>G on transcript NM_181776.3 (MANE Select); coding-DNA position 1401, C replaced by G.
Protein change: p.Leu467=; no amino-acid change (leucine 467 retained).
Molecular consequence: synonymous variant.
Genome position (GRCh38, 1-based): chr5:151,316,868, G>C on the plus strand (C>G on the coding strand, the complement: SLC36A2 is on the minus strand). VCF-style: chr5-151316868-G-C. GRCh37 (hg19) VCF-style: chr5-150696429-G-C.
Identifiers: ClinVar variation 2655946 (VCV002655946.24), dbSNP rs2531888272, ClinGen allele CA447182726.

ClinVar aggregate classification (germline): Likely benign (1 of 4 stars; one submission).

gnomAD v4.1: 3 of 1,613,736 alleles (0.00019%); highest among the groups gnomAD compares: Non-Finnish European, 0.00025%; no homozygotes.

Submission:

CeGaT Center for Human Genetics Tuebingen
Classification: Likely benign. Last evaluated: 2023-04-01. Review status: criteria provided, single submitter. Criteria: CeGaT Center For Human Genetics Tuebingen Variant Classification Criteria Version 2. Collection method: clinical testing. Allele origin: germline. Affected: yes. Observed: 1 variant allele.
Comment: SLC36A2: PM2:Supporting, BP4, BP7